The following is an entry in ClinVar:

NM_001291415.2(KDM6A):c.2734G>A (p.Glu912Lys)

Gene: KDM6A (lysine demethylase 6A; plus strand). Cytogenetic location: Xp11.3.
Variant type: single nucleotide variant.
Coding change: c.2734G>A on transcript NM_001291415.2 (MANE Select); coding-DNA position 2734, G replaced by A.
Protein change: p.Glu912Lys; replaces glutamic acid 912 with lysine.
Molecular consequence: missense variant. On other transcripts: non-coding transcript variant (1).
Genome position (GRCh38, 1-based): chrX:45,070,233, G>A. VCF-style: chrX-45070233-G-A. GRCh37 (hg19) VCF-style: chrX-44929478-G-A.
Other names: c.2599G>A, p.Glu867Lys (NM_001291416.2, NM_001419811.1); c.2443G>A, p.Glu815Lys (NM_001291417.2); c.2341G>A, p.Glu781Lys (NM_001291418.2, NM_001419815.1); c.1690G>A, p.Glu564Lys (NM_001291421.2); c.2476G>A, p.Glu826Lys (NM_001410742.1, NM_001419814.1); c.2734G>A, p.Glu912Lys (NM_001419809.1); c.2632G>A, p.Glu878Lys (NM_001419810.1, NM_001419813.1); c.2578G>A, p.Glu860Lys (NM_001419812.1, NM_021140.4); short protein forms E564K, E781K, E815K, E826K, E860K, E867K, E878K, E912K.
Identifiers: ClinVar variation 3067709 (VCV003067709.21), dbSNP rs751258182, ClinGen allele CA10392531.

ClinVar aggregate classification (germline): Uncertain significance (1 of 4 stars; one submission).

Allele frequency attached by ClinVar (database versions not stated): gnomAD exomes below 0.00001; TOPMed 0.00001; ExAC 0.00002.
gnomAD v4.1: 2 of 1,210,489 alleles (0.00017%); highest among the groups gnomAD compares: East Asian, 0.0059%; no homozygotes.

Submission:

CeGaT Center for Human Genetics Tuebingen
Classification: Uncertain significance. Last evaluated: 2024-03-01. Review status: criteria provided, single submitter. Criteria: CeGaT Center For Human Genetics Tuebingen Variant Classification Criteria Version 2. Collection method: clinical testing. Allele origin: germline. Affected: yes. Observed: 1 variant allele.
Comment: KDM6A: PM2